The following is an entry in ClinVar:

NM_000179.3(MSH6):c.1754_1755delinsCT (p.Leu585Pro)

Gene: MSH6 (mutS homolog 6; plus strand). Cytogenetic location: 2p16.3.
Variant type: Indel.
Coding change: c.1754_1755delinsCT on transcript NM_000179.3 (MANE Select); coding-DNA positions 1754 to 1755, TA replaced by CT.
Protein change: p.Leu585Pro; replaces leucine 585 with proline.
Molecular consequence: missense variant.
Genome position (GRCh38, 1-based): chr2:47,799,737-47,799,738, TA replaced by CT. VCF-style: chr2-47799737-TA-CT. GRCh37 (hg19) VCF-style: chr2-48026876-TA-CT.
Other names: c.1364_1365delinsCT, p.Leu455Pro (NM_001281492.2); c.848_849delinsCT, p.Leu283Pro (NM_001281493.2, NM_001281494.2); c.1850_1851delTAinsCT, p.Leu617Pro (NM_001406795.1, NM_001406802.1); c.1754_1755delTAinsCT, p.Leu585Pro (NM_001406796.1, NM_001406798.1, NM_001406800.1 and 3 more transcripts); c.1457_1458delTAinsCT, p.Leu486Pro (NM_001406797.1, NM_001406801.1, NM_001406805.1 and 10 more transcripts); c.1229_1230delTAinsCT, p.Leu410Pro (NM_001406799.1, NM_001406806.1, NM_001406807.1); c.1676_1677delTAinsCT, p.Leu559Pro (NM_001406804.1); c.848_849delTAinsCT, p.Leu283Pro (NM_001406811.1, NM_001406812.1, NM_001406814.1 and 4 more transcripts); and 2 more; short protein forms L283P, L410P, L486P, L559P, L585P, L455P, L529P, L617P.
Identifiers: ClinVar variation 1779438 (VCV001779438.2), dbSNP rs2530628074, ClinGen allele CA2580067689.

ClinVar aggregate classification (germline): Pathogenic (1 of 4 stars; one submission).

Conditions:
Hereditary cancer-predisposing syndrome. Also called: Neoplastic Syndromes, Hereditary; Tumor predisposition; Hereditary Cancer Syndrome; Hereditary neoplastic syndrome. Identifiers: Orphanet 140162, MedGen C0027672, MeSH D009386, MONDO:0015356.

Submission:

Ambry Genetics
Classification: Pathogenic for Hereditary cancer-predisposing syndrome. Last evaluated: 2018-04-23. Review status: criteria provided, single submitter. Criteria: Ambry Variant Classification Scheme 2023. Collection method: clinical testing. Allele origin: germline.
Comment: The c.1754_1755delTAinsCT pathogenic mutation, located in coding exon 4 of the MSH6 gene, results from an in-frame deletion of TA and insertion of CT at nucleotide positions 1754 to 1755. This results in the substitution of the leucine residue for a proline residue at codon 585, an amino acid with similar properties. This amino acid position is highly conserved in available vertebrate species. A different alteration (nucleotide substitution c.1754T>C) resulting in the same amino acid change (p.Leu585Pro), was identified as a likely Icelandic founder mutation and has been seen in multiple individuals with CRC tumors demonstrating absent or weak expression of MSH6 by IHC, including three individuals with an additional somatic MSH6 mutation (Haraldsdottir S et al. Nat Commun., 2017 May;8:14755). Authors found that p.Leu585Pro was specifically associated with increased lifetime risk for endometrial cancer, colorectal cancer, and glioma (Haraldsdottir S et al. Nat Commun., 2017 May;8:14755). The p.L585P alteration has also been detected in several individuals diagnosed with endometrial cancer whose tumor results revealed loss of MSH6 on IHC, including one with a second somatic MSH6 mutation (Ambry internal data; Frolova AI et al. Gynecol. Oncol. 2015 Apr;137:7-13). Furthermore, in vitro MMR assays showed that p.L585P (c.1754T>C) displayed deficient MMR activity (Kantelinen J et al., Hum Mutat. 2012 Aug;33(8):1294-301). In addition, this alteration is predicted to be deleterious by in silico analysis (Choi Y et al. PLoS ONE. 2012; 7(10):e46688). In addition, based on internal structural analysis, p.L585P is predicted to strongly perturb the structure of the ATPase domain; however, the local sensitivity of the region has not been well characterized (Warren JJ et al., Mol. Cell 2007 May; 26(4):579-92). Based on the supporting evidence, this alteration is interpreted as a disease-causing mutation.

Literature cited by the submitters: PubMed 22581703; PubMed 25617771; PubMed 28466842.